The following is an entry in ClinVar:

ClinVar aggregate classification (germline): Pathogenic (1 of 4 stars; one submission).

Submission:

Labcorp Genetics (formerly Invitae), Labcorp
Classification: Pathogenic. Last evaluated: 2023-11-20. Review status: criteria provided, single submitter. Criteria: Invitae Variant Classification Sherloc (09022015). Collection method: clinical testing. Allele origin: germline.
Comment: This sequence change replaces glutamic acid, which is acidic and polar, with aspartic acid, which is acidic and polar, at codon 198 of the CYP11B2 protein (p.Glu198Asp). This variant is not present in population databases (gnomAD no frequency). This missense change has been observed in individual(s) with aldosterone synthase deficiency and/or clinical features of hypoaldosteronism (PMID: 9814506, 10965212, 11174838, 22465514, 27485500, 30864636). In at least one individual the data is consistent with being in trans (on the opposite chromosome) from a pathogenic variant. An algorithm developed to predict the effect of missense changes on protein structure and function (PolyPhen-2) suggests that this variant is likely to be disruptive. Algorithms developed to predict the effect of sequence changes on RNA splicing suggest that this variant may disrupt the consensus splice site. For these reasons, this variant has been classified as Pathogenic.

Literature cited by the submitters: PubMed 9814506; PubMed 10965212; PubMed 11174838; PubMed 22465514; PubMed 27485500; PubMed 30864636.

NM_000498.3(CYP11B2):c.594A>T (p.Glu198Asp)

Genes: CYP11B2 (cytochrome P450 family 11 subfamily B member 2; minus strand), LOC106799834 (CYP11B2 recombination region; plus strand). Cytogenetic location: 8q24.3.
Variant type: single nucleotide variant.
Coding change: c.594A>T on transcript NM_000498.3 (MANE Select); coding-DNA position 594, A replaced by T.
Protein change: p.Glu198Asp; replaces glutamic acid 198 with aspartic acid.
Molecular consequence: missense variant.
Genome position (GRCh38, 1-based): chr8:142,915,047, T>A on the plus strand (A>T on the coding strand, the complement: CYP11B2 is on the minus strand). VCF-style: chr8-142915047-T-A. GRCh37 (hg19) VCF-style: chr8-143996463-T-A.
Other names: short protein forms E198D.
Identifiers: ClinVar variation 2697591 (VCV002697591.3), dbSNP rs104894072, ClinGen allele CA372390288.
Genomic context (GRCh38, chr8:142,915,047, plus strand): 5'-ATCCCCATCCCTGGCCACTCCAGGGTCTCTGGGGCTGGACCTTCCCGCATGGCCCACACC[T>A]TCTATGGTGTAGTGGAAGATGCTGGGCTGGACGTCCAGGGTCAGGCTCCCCCGGGCGTTC-3'
Protein context (NP_000489.3, residues 188-208): VQPSIFHYTI[Glu198Asp]ASNLALFGER